The following is an entry in ClinVar:

ClinVar aggregate classification (germline): Uncertain significance (1 of 4 stars; one submission).

Conditions:
Developmental and epileptic encephalopathy, 1 (DEE1). Also called: Tonic spasms with clustering, arrest of psychomotor development and hypsarrhythmia on EEG; X-Linked Infantile Spasm Syndrome; X-linked infantile spasms; West's syndrome; OHTAHARA SYNDROME, X-LINKED; Epileptic encephalopathy, early infantile, 1. Identifiers: MedGen C3463992, MONDO:0010632, OMIM 308350. Disease mechanism: loss of function.
Intellectual disability, X-linked, with or without seizures, ARX-related. Also called: Mental retardation, X-linked 52; INTELLECTUAL DEVELOPMENTAL DISORDER, X-LINKED 29; MENTAL RETARDATION, X-LINKED 29; MENTAL RETARDATION, X-LINKED 32; MENTAL RETARDATION, X-LINKED 33; MENTAL RETARDATION, X-LINKED 38. Identifiers: Orphanet 777, MedGen C0796244, MONDO:0010317, OMIM 300419.

Submission:

Labcorp Genetics (formerly Invitae), Labcorp
Classification: Uncertain significance for Developmental and epileptic encephalopathy, 1; Intellectual disability, X-linked, with or without seizures, ARX-related. Last evaluated: 2020-02-17. Review status: criteria provided, single submitter. Criteria: Invitae Variant Classification Sherloc (09022015). Collection method: clinical testing. Allele origin: germline.
Comment: This variant has not been reported in the literature in individuals with ARX-related conditions. In summary, the available evidence is currently insufficient to determine the role of this variant in disease. Therefore, it has been classified as a Variant of Uncertain Significance. The frequency data for this variant in the population databases is considered unreliable, as metrics indicate insufficient coverage at this position in the ExAC database. This sequence change replaces glycine with arginine at codon 92 of the ARX protein (p.Gly92Arg). The glycine residue is highly conserved and there is a moderate physicochemical difference between glycine and arginine.

NM_139058.3(ARX):c.274G>C (p.Gly92Arg)

Gene: ARX (aristaless related homeobox; minus strand). Cytogenetic location: Xp21.3.
Variant type: single nucleotide variant.
Coding change: c.274G>C on transcript NM_139058.3 (MANE Select); coding-DNA position 274, G replaced by C.
Protein change: p.Gly92Arg; replaces glycine 92 with arginine.
Molecular consequence: missense variant.
Genome position (GRCh38, 1-based): chrX:25,013,721, C>G on the plus strand (G>C on the coding strand, the complement: ARX is on the minus strand). VCF-style: chrX-25013721-C-G. GRCh37 (hg19) VCF-style: chrX-25031838-C-G.
Other names: short protein forms G92R.
Identifiers: ClinVar variation 1019595 (VCV001019595.11), dbSNP rs2048713809, ClinGen allele CA412613515.